The following is an entry in ClinVar:

NM_000310.4(PPT1):c.367G>A (p.Ala123Thr)

Gene: PPT1 (palmitoyl-protein thioesterase 1; minus strand). Cytogenetic location: 1p34.2.
Variant type: single nucleotide variant.
Coding change: c.367G>A on transcript NM_000310.4 (MANE Select); coding-DNA position 367, G replaced by A.
Protein change: p.Ala123Thr; replaces alanine 123 with threonine.
Molecular consequence: missense variant. On other transcripts: intron variant (1).
Genome position (GRCh38, 1-based): chr1:40,091,395, C>T on the plus strand (G>A on the coding strand, the complement: PPT1 is on the minus strand). VCF-style: chr1-40091395-C-T. GRCh37 (hg19) VCF-style: chr1-40557067-C-T.
Other names: c.367G>A, p.Ala123Thr (NM_001363695.2); c.125-1883G>A (NM_001142604.2); short protein forms A123T.
Identifiers: ClinVar variation 206644 (VCV000206644.17), dbSNP rs755565099, ClinGen allele CA316927.

ClinVar aggregate classification (germline): Conflicting classifications of pathogenicity. Review status: criteria provided, conflicting classifications (1 of 4 stars). 5 submissions from 5 submitters: Likely pathogenic (1); Uncertain significance (3). 1 of the submissions does not count toward it. Last evaluated 2022-11-07.

Conditions:
Neuronal ceroid lipofuscinosis 1 (CLN1). Also called: PPT1-Related Neuronal Ceroid-Lipofuscinosis; CEROID LIPOFUSCINOSIS, NEURONAL, 1, VARIABLE AGE AT ONSET. Identifiers: Orphanet 228329, MedGen C1850451, MONDO:0009744, OMIM 256730.

Allele frequency attached by ClinVar (database versions not stated): TOPMed below 0.00001; ExAC 0.00001; gnomAD exomes 0.00001.

Submissions (5):

Blueprint Genetics
Classification: Uncertain significance. Last evaluated: 2022-11-07. Review status: criteria provided, single submitter. Criteria: ACMG Guidelines, 2015. Collection method: clinical testing. Allele origin: germline.

Labcorp Genetics (formerly Invitae), Labcorp
Classification: Uncertain significance for Neuronal ceroid lipofuscinosis 1. Last evaluated: 2021-08-31. Review status: criteria provided, single submitter. Criteria: Invitae Variant Classification Sherloc (09022015). Collection method: clinical testing. Allele origin: germline.
Comment: This sequence change replaces alanine with threonine at codon 123 of the PPT1 protein (p.Ala123Thr). The alanine residue is highly conserved and there is a small physicochemical difference between alanine and threonine. This variant is present in population databases (rs755565099, ExAC 0.002%). This variant has not been reported in the literature in individuals affected with PPT1-related conditions. ClinVar contains an entry for this variant (Variation ID: 206644). Algorithms developed to predict the effect of missense changes on protein structure and function are either unavailable or do not agree on the potential impact of this missense change (SIFT: "Deleterious"; PolyPhen-2: "Possibly Damaging"; Align-GVGD: "Class C0"). In summary, the available evidence is currently insufficient to determine the role of this variant in disease. Therefore, it has been classified as a Variant of Uncertain Significance.

Genomic Research Center, Shahid Beheshti University of Medical Sciences
Classification: Likely pathogenic. Last evaluated: 2020-05-03. Review status: criteria provided, single submitter. Criteria: ACMG Guidelines, 2015. Collection method: clinical testing. Allele origin: unknown. Affected: no.

Illumina Laboratory Services, Illumina
Classification: Uncertain significance for Neuronal ceroid lipofuscinosis 1. Last evaluated: 2018-01-13. Review status: criteria provided, single submitter. Criteria: ICSL Variant Classification Criteria 13 December 2019. Collection method: clinical testing. Allele origin: germline.

Natera, Inc.
Classification: Uncertain significance for Neuronal ceroid lipofuscinosis 1. Last evaluated: 2020-11-18. Review status: no assertion criteria provided. Collection method: clinical testing. Allele origin: germline. Not counted in ClinVar's aggregate classification.